The following is an entry in ClinVar:

NM_001048174.2(MUTYH):c.914-8G>A

Gene: MUTYH (mutY DNA glycosylase; minus strand). Cytogenetic location: 1p34.1.
Variant type: single nucleotide variant.
Coding change: c.914-8G>A on transcript NM_001048174.2 (MANE Select); 8 bases into the intron before coding-DNA position 914, G replaced by A.
Molecular consequence: intron variant.
Genome position (GRCh38, 1-based): chr1:45,331,857, C>T on the plus strand (G>A on the coding strand, the complement: MUTYH is on the minus strand). VCF-style: chr1-45331857-C-T. GRCh37 (hg19) VCF-style: chr1-45797529-C-T.
Other names: c.569-8G>A (NM_001350651.2, NM_001350650.2); c.638-8G>A (NM_001293192.2, NM_001293196.2); c.914-8G>A (NM_001048171.2, NM_001048173.2, NM_001293195.2); c.959-8G>A (NM_001293190.2); c.989-8G>A (NM_012222.3); c.998-8G>A (NM_001128425.2); c.917-8G>A (NM_001048172.2); c.947-8G>A (NM_001293191.2).
Identifiers: ClinVar variation 492067 (VCV000492067.20), dbSNP rs757672024, ClinGen allele CA060066.

ClinVar aggregate classification (germline): Conflicting classifications of pathogenicity. Review status: criteria provided, conflicting classifications (1 of 4 stars). 5 submissions from 5 submitters: Uncertain significance (1); Likely benign (3). 1 of the submissions does not count toward it. Last evaluated 2026-01-17.

Conditions:
Hereditary cancer-predisposing syndrome. Also called: Hereditary neoplastic syndrome; Hereditary Cancer Syndrome; Neoplastic Syndromes, Hereditary; Tumor predisposition. Identifiers: Orphanet 140162, MedGen C0027672, MeSH D009386, MONDO:0015356.
Familial adenomatous polyposis 2. Also called: MYH-associated polyposis; COLORECTAL ADENOMATOUS POLYPOSIS, AUTOSOMAL RECESSIVE; ADENOMAS, MULTIPLE COLORECTAL, AUTOSOMAL RECESSIVE; MUTYH-related attenuated familial adenomatous polyposis; Adenomas, multiple colorectal; FAP type 2. Identifiers: Orphanet 220460, Orphanet 247798, MedGen C3272841, MONDO:0012041, OMIM 608456.

Allele frequency attached by ClinVar (database versions not stated): ExAC 0.00001; gnomAD 0.00001 and 0.00002; gnomAD exomes 0.00001 and 0.00002; TOPMed 0.00001.
gnomAD v4.1: 21 of 1,598,874 alleles (0.0013%); highest among the groups gnomAD compares: South Asian, 0.012%; 1 homozygote.

Submissions (5):

Labcorp Genetics (formerly Invitae), Labcorp
Classification: Likely benign for Familial adenomatous polyposis 2. Last evaluated: 2026-01-17. Review status: criteria provided, single submitter. Criteria: Invitae Variant Classification Sherloc (09022015). Collection method: clinical testing. Allele origin: germline.

Women's Health and Genetics/Laboratory Corporation of America, LabCorp
Classification: Likely benign. Last evaluated: 2025-04-28. Review status: criteria provided, single submitter. Criteria: LabCorp Variant Classification Summary - May 2015. Collection method: clinical testing. Allele origin: germline.

GeneDx
Classification: Uncertain significance. Last evaluated: 2019-07-26. Review status: criteria provided, single submitter. Criteria: GeneDx Variant Classification Process June 2021. Collection method: clinical testing. Allele origin: germline. Affected: yes.
Comment: Has not been previously published as pathogenic or benign to our knowledge; In-silico analysis, which includes splice predictors and evolutionary conservation, is inconclusive as to whether the variant alters gene splicing. In the absence of RNA/functional studies, the actual effect of this sequence change is unknown.

Color Diagnostics, LLC DBA Color Health
Classification: Likely benign for Hereditary cancer-predisposing syndrome. Last evaluated: 2017-09-04. Review status: criteria provided, single submitter. Criteria: ACMG Guidelines, 2015. Collection method: clinical testing. Allele origin: germline.

Counsyl
Classification: Likely benign for Familial adenomatous polyposis 2. Last evaluated: 2017-06-05. Review status: no assertion criteria provided. Collection method: clinical testing. Allele origin: unknown. Not counted in ClinVar's aggregate classification.